The following is an entry in ClinVar:

NM_000388.4(CASR):c.1145A>G (p.Asp382Gly)

Gene: CASR (calcium sensing receptor; plus strand). Cytogenetic location: 3q21.1.
Variant type: single nucleotide variant.
Coding change: c.1145A>G on transcript NM_000388.4 (MANE Select); coding-DNA position 1145, A replaced by G.
Protein change: p.Asp382Gly; replaces aspartic acid 382 with glycine.
Molecular consequence: missense variant.
Genome position (GRCh38, 1-based): chr3:122,262,180, A>G. VCF-style: chr3-122262180-A-G. GRCh37 (hg19) VCF-style: chr3-121981027-A-G.
Other names: c.1145A>G, p.Asp382Gly (NM_001178065.2); short protein forms D382G.
Identifiers: ClinVar variation 1918769 (VCV001918769.5), dbSNP rs2074634937, ClinGen allele CA354152686.

ClinVar aggregate classification (germline): Uncertain significance (1 of 4 stars; one submission).

Conditions:
Familial hypocalciuric hypercalcemia (FHH). Also called: Familial benign hypercalcemia. Identifiers: Orphanet 405, MedGen C1809471, MONDO:0018458.
Autosomal dominant hypocalcemia 1 (HYPOC1). Also called: HYPOCALCEMIA, FAMILIAL. Identifiers: MedGen C3715128, MONDO:0011013, OMIM 601198.

Allele frequency attached by ClinVar (database versions not stated): gnomAD 0.00001; TOPMed below 0.00001.
gnomAD v4.1: 1 of 1,614,104 alleles (0.000062%); highest among the groups gnomAD compares: African/African-American, 0.0013%; no homozygotes.

Submission:

Labcorp Genetics (formerly Invitae), Labcorp
Classification: Uncertain significance for Familial hypocalciuric hypercalcemia; Autosomal dominant hypocalcemia 1. Last evaluated: 2025-04-07. Review status: criteria provided, single submitter. Criteria: Invitae Variant Classification Sherloc (09022015). Collection method: clinical testing. Allele origin: germline.
Comment: This sequence change replaces aspartic acid, which is acidic and polar, with glycine, which is neutral and non-polar, at codon 382 of the CASR protein (p.Asp382Gly). This variant is not present in population databases (gnomAD no frequency). This variant has not been reported in the literature in individuals affected with CASR-related conditions. ClinVar contains an entry for this variant (Variation ID: 1918769). An algorithm developed to predict the effect of missense changes on protein structure and function outputs the following: PolyPhen-2: "Benign". The glycine amino acid residue is found in multiple mammalian species, which suggests that this missense change does not adversely affect protein function. In summary, the available evidence is currently insufficient to determine the role of this variant in disease. Therefore, it has been classified as a Variant of Uncertain Significance.